The following is an entry in ClinVar:

ClinVar aggregate classification (germline): Uncertain significance (1 of 4 stars; one submission).

Conditions:
Cardiomyopathy (CMYO). Also called: Cardiomyopathies. Identifiers: Orphanet 167848, MedGen C0878544, MONDO:0004994, HP:0001638. Inheritance: Various modes of inheritance.

Submission:

Color Diagnostics, LLC DBA Color Health
Classification: Uncertain significance for Cardiomyopathy. Last evaluated: 2023-12-04. Review status: criteria provided, single submitter. Criteria: ACMG Guidelines, 2015. Collection method: clinical testing. Allele origin: germline.
Comment: Variant of Uncertain Significance due to insufficient evidence: This missense variant is located in the armadillo repeat 4 of the PKP2 protein. Computational prediction tools and conservation analyses are inconclusive regarding the impact of this variant on the protein function. Computational splicing tools suggest that this variant may not impact RNA splicing. To our knowledge, functional assays have not been performed for this variant nor has this variant been reported in individuals affected with cardiovascular disorders in the literature. This variant is rare in the general population and has been identified in 0/277264 chromosomes by the Genome Aggregation Database (gnomAD). Available evidence is insufficient to determine the pathogenicity of this variant conclusively.

NM_001005242.3(PKP2):c.1519G>T (p.Asp507Tyr)

Gene: PKP2 (plakophilin 2; minus strand). Cytogenetic location: 12p11.21.
Variant type: single nucleotide variant.
Coding change: c.1519G>T on transcript NM_001005242.3 (MANE Select); coding-DNA position 1519, G replaced by T.
Protein change: p.Asp507Tyr; replaces aspartic acid 507 with tyrosine.
Molecular consequence: missense variant.
Genome position (GRCh38, 1-based): chr12:32,841,065, C>A on the plus strand (G>T on the coding strand, the complement: PKP2 is on the minus strand). VCF-style: chr12-32841065-C-A. GRCh37 (hg19) VCF-style: chr12-32993999-C-A.
Other names: c.1651G>T, p.Asp551Tyr (NM_004572.4); short protein forms D507Y, D551Y.
Identifiers: ClinVar variation 925602 (VCV000925602.5), dbSNP rs763427502, ClinGen allele CA384367415.